The following is an entry in ClinVar:

NM_003922.4(HERC1):c.6140A>G (p.Asn2047Ser)

Gene: HERC1 (HECT and RLD domain containing E3 ubiquitin protein ligase family member 1; minus strand). Cytogenetic location: 15q22.31.
Variant type: single nucleotide variant.
Coding change: c.6140A>G on transcript NM_003922.4 (MANE Select); coding-DNA position 6140, A replaced by G.
Protein change: p.Asn2047Ser; replaces asparagine 2047 with serine.
Molecular consequence: missense variant.
Genome position (GRCh38, 1-based): chr15:63,686,444, T>C on the plus strand (A>G on the coding strand, the complement: HERC1 is on the minus strand). VCF-style: chr15-63686444-T-C. GRCh37 (hg19) VCF-style: chr15-63978643-T-C.
Other names: short protein forms N2047S.
Identifiers: ClinVar variation 2362677 (VCV002362677.7), dbSNP rs200898269, ClinGen allele CA7605381.
Genomic context (GRCh38, chr15:63,686,444, plus strand): 5'-ACTCCTGTAGATGCCAATCCATATCCTTTCCCTCCACTGCCGTGAGTTAAAATCTGTCCA[T>C]TCTCCACTAGGCAACACTGAGCTTTCTCCGGGTCAAAGGATACTTCTTGGATAGGAAGAT-3'
Protein context (NP_003913.3, residues 2037-2057): PEKAQCCLVE[Asn2047Ser]GQILTHGSGG

ClinVar aggregate classification (germline): Uncertain significance. Review status: criteria provided, multiple submitters, no conflicts (2 of 4 stars). 3 submissions from 3 submitters: Uncertain significance (2). 1 of the submissions does not count toward it. Last evaluated 2024-11-15.

Conditions:
Macrocephaly, dysmorphic facies, and psychomotor retardation (MDFPMR). Identifiers: Orphanet 457359, MedGen C4310766, MONDO:0014863, OMIM 617011.
Inborn genetic diseases. Identifiers: MedGen C0950123, MeSH D030342.
HERC1-related disorder. Also called: HERC1-related condition.

Allele frequency attached by ClinVar (database versions not stated): ESP Exome Variant Server 0.00033; ExAC 0.00007; gnomAD exomes 0.00014; gnomAD 0.00015; TOPMed 0.00021.
gnomAD v4.1: 237 of 1,613,790 alleles (0.015%); highest among the groups gnomAD compares: Non-Finnish European, 0.018%; 1 homozygote.

Submissions (3):

Ambry Genetics
Classification: Uncertain significance for Inborn genetic diseases. Last evaluated: 2024-11-15. Review status: criteria provided, single submitter. Criteria: Ambry Variant Classification Scheme 2023. Collection method: clinical testing. Allele origin: germline.

Revvity Omics, Revvity
Classification: Uncertain significance for Macrocephaly, dysmorphic facies, and psychomotor retardation. Last evaluated: 2021-06-23. Review status: criteria provided, single submitter. Criteria: ACMG Guidelines, 2015. Collection method: clinical testing. Allele origin: germline.

PreventionGenetics, part of Exact Sciences
Classification: Uncertain significance for HERC1-related condition. Last evaluated: 2024-07-08. Review status: no assertion criteria provided. Collection method: clinical testing. Allele origin: germline. Not counted in ClinVar's aggregate classification.
Comment: The HERC1 c.6140A>G variant is predicted to result in the amino acid substitution p.Asn2047Ser. To our knowledge, this variant has not been reported in the literature. This variant is reported in 0.015% of alleles in individuals of European (Non-Finnish) descent in gnomAD. At this time, the clinical significance of this variant is uncertain due to the absence of conclusive functional and genetic evidence.